The following is an entry in ClinVar:

ClinVar aggregate classification (germline): Uncertain significance (1 of 4 stars; one submission).

Conditions:
Familial thoracic aortic aneurysm and aortic dissection (TAAD). Also called: Thoracic aortic aneurysms and dissections. Identifiers: Orphanet 91387, MedGen C4707243, MONDO:0019625.

Submission:

Ambry Genetics
Classification: Uncertain significance for Familial thoracic aortic aneurysm and aortic dissection. Last evaluated: 2023-07-14. Review status: criteria provided, single submitter. Criteria: Ambry Variant Classification Scheme 2023. Collection method: clinical testing. Allele origin: germline.
Comment: The p.G145R variant (also known as c.433G>A), located in coding exon 3 of the COL5A1 gene, results from a G to A substitution at nucleotide position 433. The glycine at codon 145 is replaced by arginine, an amino acid with dissimilar properties. This amino acid position is highly conserved in available vertebrate species. In addition, this alteration is predicted to be tolerated by in silico analysis. Since supporting evidence is limited at this time, the clinical significance of this alteration remains unclear.

NM_000093.5(COL5A1):c.433G>A (p.Gly145Arg)

Gene: COL5A1 (collagen type V alpha 1 chain; plus strand). Cytogenetic location: 9q34.3.
Variant type: single nucleotide variant.
Coding change: c.433G>A on transcript NM_000093.5 (MANE Select); coding-DNA position 433, G replaced by A.
Protein change: p.Gly145Arg; replaces glycine 145 with arginine.
Molecular consequence: missense variant.
Genome position (GRCh38, 1-based): chr9:134,700,064, G>A. VCF-style: chr9-134700064-G-A. GRCh37 (hg19) VCF-style: chr9-137591910-G-A.
Other names: c.433G>A, p.Gly145Arg (NM_001278074.1); short protein forms G145R.
Identifiers: ClinVar variation 2625448 (VCV002625448.2), dbSNP rs2491264452, ClinGen allele CA375443035.